The following is an entry in ClinVar:

ClinVar aggregate classification (germline): Uncertain significance (1 of 4 stars; one submission).

Conditions:
Developmental and epileptic encephalopathy, 23 (DEE23). Also called: Epileptic encephalopathy, early infantile, 23. Identifiers: Orphanet 411986, MedGen C4014492, MONDO:0014371, OMIM 615859.

Submission:

Labcorp Genetics (formerly Invitae), Labcorp
Classification: Uncertain significance for Developmental and epileptic encephalopathy, 23. Last evaluated: 2024-05-15. Review status: criteria provided, single submitter. Criteria: Invitae Variant Classification Sherloc (09022015). Collection method: clinical testing. Allele origin: germline.
Comment: This sequence change replaces asparagine, which is neutral and polar, with lysine, which is basic and polar, at codon 1786 of the DOCK7 protein (p.Asn1786Lys). This variant is not present in population databases (gnomAD no frequency). This variant has not been reported in the literature in individuals affected with DOCK7-related conditions. ClinVar contains an entry for this variant (Variation ID: 2000487). Advanced modeling of protein sequence and biophysical properties (such as structural, functional, and spatial information, amino acid conservation, physicochemical variation, residue mobility, and thermodynamic stability) performed at Invitae indicates that this missense variant is expected to disrupt DOCK7 protein function with a positive predictive value of 80%. In summary, the available evidence is currently insufficient to determine the role of this variant in disease. Therefore, it has been classified as a Variant of Uncertain Significance.

NM_001367561.1(DOCK7):c.5385T>G (p.Asn1795Lys)

Gene: DOCK7 (dedicator of cytokinesis 7; minus strand). Cytogenetic location: 1p31.3.
Variant type: single nucleotide variant.
Coding change: c.5385T>G on transcript NM_001367561.1 (MANE Select); coding-DNA position 5385, T replaced by G.
Protein change: p.Asn1795Lys; replaces asparagine 1795 with lysine.
Molecular consequence: missense variant.
Genome position (GRCh38, 1-based): chr1:62,489,042, A>C on the plus strand (T>G on the coding strand, the complement: DOCK7 is on the minus strand). VCF-style: chr1-62489042-A-C. GRCh37 (hg19) VCF-style: chr1-62954713-A-C.
Other names: c.5358T>G, p.Asn1786Lys (NM_001271999.2, NM_001330614.2); c.5265T>G, p.Asn1755Lys (NM_001272000.2, NM_001272001.2); c.5292T>G, p.Asn1764Lys (NM_033407.4); short protein forms N1786K, N1795K, N1755K, N1764K.
Identifiers: ClinVar variation 2000487 (VCV002000487.4), dbSNP rs1314677124, ClinGen allele CA340609306.
Genomic context (GRCh38, chr1:62,489,042, plus strand): 5'-GGATAGTTTCTTTGCATCCCGATTAGCTTCATGAATAGGAATAAGTACTTTGTAAACTTC[A>C]TTAACTGCTTCATACATGCCAGCCTATAAGAAAAAATTTTGTTAAGATGTTGCTTTCTTT-3'
Protein context (NP_001354490.1, residues 1785-1805): FSMAGMYEAV[Asn1795Lys]EVYKVLIPIH